The following is an entry in ClinVar:

NM_152743.4(BRAT1):c.1134+3A>G

Gene: BRAT1 (BRCA1 associated ATM activator 1; minus strand). Cytogenetic location: 7p22.3.
Variant type: single nucleotide variant.
Coding change: c.1134+3A>G on transcript NM_152743.4 (MANE Select); 3 bases into the intron after coding-DNA position 1134, A replaced by G.
Molecular consequence: intron variant.
Genome position (GRCh38, 1-based): chr7:2,541,715, T>C on the plus strand (A>G on the coding strand, the complement: BRAT1 is on the minus strand). VCF-style: chr7-2541715-T-C. GRCh37 (hg19) VCF-style: chr7-2581349-T-C.
Other names: c.609+3A>G (NM_001350627.2); c.1134+3A>G (NM_001350626.2).
Identifiers: ClinVar variation 576779 (VCV000576779.9), dbSNP rs200692755, ClinGen allele CA4127924.
Genomic context (GRCh38, chr7:2,541,715, plus strand): 5'-ACGTTGCGGTCCCACCGCCAGCGTGGATGCTGCTGGGCTGCATGAGGACCGGGCCGCACC[T>C]ACCAGCGGCTGCAGCTCCTCCAGGTGAGCCAGGGTGCGGCACAGGAGGCCGGCGCAGGAC-3'

ClinVar aggregate classification (germline): Uncertain significance. Review status: criteria provided, multiple submitters, no conflicts (2 of 4 stars). 3 submissions from 3 submitters: Uncertain significance (3). Last evaluated 2025-09-09.

Conditions:
Inborn genetic diseases. Identifiers: MedGen C0950123, MeSH D030342.
Neonatal-onset encephalopathy with rigidity and seizures. Also called: Lethal neonatal spasticity-epileptic encephalopathy syndrome. Identifiers: Orphanet 435845, MedGen C3281029, MONDO:0013784, OMIM 614498.

Allele frequency attached by ClinVar (database versions not stated): gnomAD exomes below 0.00001 and 0.00001; ExAC 0.00002; gnomAD 0.00004 and 0.00005; TOPMed 0.00007.
gnomAD v4.1: 10 of 1,605,634 alleles (0.00062%); highest among the groups gnomAD compares: African/African-American, 0.012%; no homozygotes.

Submissions (3):

GeneDx
Classification: Uncertain significance. Last evaluated: 2025-09-09. Review status: criteria provided, single submitter. Criteria: GeneDx Variant Classification Process June 2021. Collection method: clinical testing. Allele origin: germline. Affected: yes.
Comment: Not observed at significant frequency in large population cohorts (gnomAD); In silico analysis is inconclusive as to whether the variant alters gene splicing. In the absence of RNA/functional studies, the actual effect of this sequence change is unknown.; Has not been previously published as pathogenic or benign to our knowledge

Ambry Genetics
Classification: Uncertain significance for Inborn genetic diseases. Last evaluated: 2025-03-06. Review status: criteria provided, single submitter. Criteria: Ambry Variant Classification Scheme 2023. Collection method: clinical testing. Allele origin: germline.
Comment: The c.1134+3A>G intronic alteration consists of a A to G substitution nucleotides after coding exon 7 in the BRAT1 gene. Based on insufficient or conflicting evidence, the clinical significance of this alteration remains unclear.

Labcorp Genetics (formerly Invitae), Labcorp
Classification: Uncertain significance for Neonatal-onset encephalopathy with rigidity and seizures. Last evaluated: 2022-09-27. Review status: criteria provided, single submitter. Criteria: Invitae Variant Classification Sherloc (09022015). Collection method: clinical testing. Allele origin: germline.
Comment: This sequence change falls in intron 8 of the BRAT1 gene. It does not directly change the encoded amino acid sequence of the BRAT1 protein. It affects a nucleotide within the consensus splice site. This variant is present in population databases (rs200692755, gnomAD 0.02%). This variant has not been reported in the literature in individuals affected with BRAT1-related conditions. ClinVar contains an entry for this variant (Variation ID: 576779). Variants that disrupt the consensus splice site are a relatively common cause of aberrant splicing (PMID: 17576681, 9536098). Algorithms developed to predict the effect of sequence changes on RNA splicing suggest that this variant may disrupt the consensus splice site. In summary, the available evidence is currently insufficient to determine the role of this variant in disease. Therefore, it has been classified as a Variant of Uncertain Significance.

Literature cited by the submitters: PubMed 17576681 (cited by Labcorp Genetics (formerly Invitae), Labcorp); PubMed 9536098 (cited by Labcorp Genetics (formerly Invitae), Labcorp).